The following is an entry in ClinVar:

ClinVar aggregate classification (germline): Uncertain significance (1 of 4 stars; one submission).

Conditions:
Ehlers-Danlos syndrome, dermatosparaxis type. Also called: EDS VIIC; Ehlers-Danlos syndrome, type VII, autosomal recessive; Dermatosparaxis. Identifiers: Orphanet 1901, MedGen C2700425, MONDO:0009161, OMIM 225410.

Submission:

Labcorp Genetics (formerly Invitae), Labcorp
Classification: Uncertain significance for Ehlers-Danlos syndrome, dermatosparaxis type. Last evaluated: 2024-08-13. Review status: criteria provided, single submitter. Criteria: Invitae Variant Classification Sherloc (09022015). Collection method: clinical testing. Allele origin: germline.
Comment: This sequence change replaces proline, which is neutral and non-polar, with leucine, which is neutral and non-polar, at codon 541 of the ADAMTS2 protein (p.Pro541Leu). This variant is not present in population databases (gnomAD no frequency). This variant has not been reported in the literature in individuals affected with ADAMTS2-related conditions. An algorithm developed to predict the effect of missense changes on protein structure and function (PolyPhen-2) suggests that this variant is likely to be tolerated. In summary, the available evidence is currently insufficient to determine the role of this variant in disease. Therefore, it has been classified as a Variant of Uncertain Significance.

NM_014244.5(ADAMTS2):c.1622C>T (p.Pro541Leu)

Gene: ADAMTS2 (ADAM metallopeptidase with thrombospondin type 1 motif 2; minus strand). Cytogenetic location: 5q35.3.
Variant type: single nucleotide variant.
Coding change: c.1622C>T on transcript NM_014244.5 (MANE Select); coding-DNA position 1622, C replaced by T.
Protein change: p.Pro541Leu; replaces proline 541 with leucine.
Molecular consequence: missense variant.
Genome position (GRCh38, 1-based): chr5:179,152,149, G>A on the plus strand (C>T on the coding strand, the complement: ADAMTS2 is on the minus strand). VCF-style: chr5-179152149-G-A. GRCh37 (hg19) VCF-style: chr5-178579150-G-A.
Other names: c.1622C>T, p.Pro541Leu (NM_021599.4); short protein forms P541L.
Identifiers: ClinVar variation 2916634 (VCV002916634.3), dbSNP rs2480234481, ClinGen allele CA362430980.
Genomic context (GRCh38, chr5:179,152,149, plus strand): 5'-AGATTCCTGTCCTCTGCCCTGCTGCCCTCCAAGAGCCCTTGATGCTGCCTCACCTTGCCA[G>A]GTGCACACATAGTCCCGTCCAAGGGGGGCCCCTTCTTGGTCTTGCAAAAGTAGGGGTTGT-3'
Protein context (NP_055059.2, residues 531-551): GPPLDGTMCA[Pro541Leu]GKHCFKGHCI